The following is an entry in ClinVar:

ClinVar aggregate classification (germline): Uncertain significance (1 of 4 stars; one submission).

Conditions:
Familial thoracic aortic aneurysm and aortic dissection (TAAD). Also called: Thoracic aortic aneurysms and dissections. Identifiers: Orphanet 91387, MedGen C4707243, MONDO:0019625.

Submission:

Color Diagnostics, LLC DBA Color Health
Classification: Uncertain significance for Familial thoracic aortic aneurysm and aortic dissection. Last evaluated: 2023-12-04. Review status: criteria provided, single submitter. Criteria: ACMG Guidelines, 2015. Collection method: clinical testing. Allele origin: germline.
Comment: This missense variant replaces threonine with asparagine at codon 688 of the FBN1 protein. Computational prediction tools and conservation analyses are inconclusive regarding the impact of this variant on the protein function. Computational splicing tools suggest that this variant may not impact RNA splicing. To our knowledge, functional assays have not been performed for this variant nor has this variant been reported in individuals affected with cardiovascular disorders in the literature. This variant has not been identified in the general population by the Genome Aggregation Database (gnomAD). Available evidence is insufficient to determine the role of this variant in disease conclusively. Therefore, this variant is classified as a Variant of Uncertain Significance.

NM_000138.5(FBN1):c.2063C>A (p.Thr688Asn)

Gene: FBN1 (fibrillin 1; minus strand). Cytogenetic location: 15q21.1.
Variant type: single nucleotide variant.
Coding change: c.2063C>A on transcript NM_000138.5 (MANE Select); coding-DNA position 2063, C replaced by A.
Protein change: p.Thr688Asn; replaces threonine 688 with asparagine.
Molecular consequence: missense variant.
Genome position (GRCh38, 1-based): chr15:48,503,837, G>T on the plus strand (C>A on the coding strand, the complement: FBN1 is on the minus strand). VCF-style: chr15-48503837-G-T. GRCh37 (hg19) VCF-style: chr15-48796034-G-T.
Other names: short protein forms T688N.
Identifiers: ClinVar variation 926611 (VCV000926611.5), dbSNP rs2043684944, ClinGen allele CA392338223.